The following is an entry in ClinVar:

ClinVar aggregate classification (germline): Uncertain significance. Review status: criteria provided, multiple submitters, no conflicts (2 of 4 stars). 2 submissions from 2 submitters: Uncertain significance (2). Last evaluated 2025-03-26.

Conditions:
Inborn genetic diseases. Identifiers: MedGen C0950123, MeSH D030342.
Congenital myasthenic syndrome 8. Also called: MYASTHENIC SYNDROME, CONGENITAL, DUE TO AGRIN DEFICIENCY; Myasthenic syndrome, congenital, 8, with pre- and postsynaptic defects. Identifiers: Orphanet 590, MedGen C3808739, MONDO:0014052, OMIM 615120.

Allele frequency attached by ClinVar (database versions not stated): gnomAD exomes 0.00002; gnomAD 0.00004 and 0.00003; TOPMed 0.00004; ExAC 0.00004.
gnomAD v4.1: 38 of 1,603,954 alleles (0.0024%); highest among the groups gnomAD compares: Middle Eastern, 0.049%; no homozygotes.

Submissions (2):

Ambry Genetics
Classification: Uncertain significance for Inborn genetic diseases. Last evaluated: 2025-03-26. Review status: criteria provided, single submitter. Criteria: Ambry Variant Classification Scheme 2023. Collection method: clinical testing. Allele origin: germline.

Labcorp Genetics (formerly Invitae), Labcorp
Classification: Uncertain significance for Congenital myasthenic syndrome 8. Last evaluated: 2022-04-07. Review status: criteria provided, single submitter. Criteria: Invitae Variant Classification Sherloc (09022015). Collection method: clinical testing. Allele origin: germline.
Comment: This sequence change replaces aspartic acid, which is acidic and polar, with asparagine, which is neutral and polar, at codon 439 of the AGRN protein (p.Asp439Asn). This variant is present in population databases (rs758713569, gnomAD 0.007%). This variant has not been reported in the literature in individuals affected with AGRN-related conditions. ClinVar contains an entry for this variant (Variation ID: 851758). Algorithms developed to predict the effect of missense changes on protein structure and function are either unavailable or do not agree on the potential impact of this missense change (SIFT: "Deleterious"; PolyPhen-2: "Possibly Damaging"; Align-GVGD: "Class C0"). In summary, the available evidence is currently insufficient to determine the role of this variant in disease. Therefore, it has been classified as a Variant of Uncertain Significance.

NM_198576.4(AGRN):c.1315G>A (p.Asp439Asn)

Gene: AGRN (agrin; plus strand). Cytogenetic location: 1p36.33.
Variant type: single nucleotide variant.
Coding change: c.1315G>A on transcript NM_198576.4 (MANE Select); coding-DNA position 1315, G replaced by A.
Protein change: p.Asp439Asn; replaces aspartic acid 439 with asparagine.
Molecular consequence: missense variant.
Genome position (GRCh38, 1-based): chr1:1,042,093, G>A. VCF-style: chr1-1042093-G-A. GRCh37 (hg19) VCF-style: chr1-977473-G-A.
Other names: c.1315G>A, p.Asp439Asn (NM_001305275.2); c.1000G>A, p.Asp334Asn (NM_001364727.2); short protein forms D439N, D334N.
Identifiers: ClinVar variation 851758 (VCV000851758.8), dbSNP rs758713569, ClinGen allele CA508111.